The following is an entry in ClinVar:

NM_000384.3(APOB):c.12381C>T (p.Asp4127=)

Gene: APOB (apolipoprotein B; minus strand). Cytogenetic location: 2p24.1.
Variant type: single nucleotide variant.
Coding change: c.12381C>T on transcript NM_000384.3 (MANE Select); coding-DNA position 12381, C replaced by T.
Protein change: p.Asp4127=; no amino-acid change (aspartic acid 4127 retained).
Molecular consequence: synonymous variant.
Genome position (GRCh38, 1-based): chr2:21,003,041, G>A on the plus strand (C>T on the coding strand, the complement: APOB is on the minus strand). VCF-style: chr2-21003041-G-A. GRCh37 (hg19) VCF-style: chr2-21225913-G-A.
Identifiers: ClinVar variation 697448 (VCV000697448.58), dbSNP rs145704672, ClinGen allele CA050157.

ClinVar aggregate classification (germline): Likely benign. Review status: criteria provided, multiple submitters, no conflicts (2 of 4 stars). 6 submissions from 6 submitters: Likely benign (6). Last evaluated 2025-11-01.

Conditions:
Cardiovascular phenotype. Identifiers: MedGen CN230736.
Hypercholesterolemia, autosomal dominant, type B (FHCL2). Also called: Familial Hypercholesterolemia Type B; Hyperlipoproteinemia Type IIb; APOB-Related Familial Hypercholesterolemia, Autosomal Dominant; HYPERCHOLESTEROLEMIA, FAMILIAL, DUE TO LIGAND-DEFECTIVE APOLIPOPROTEIN B; APOLIPOPROTEIN B-100, FAMILIAL DEFECTIVE; APOLIPOPROTEIN B-100, FAMILIAL LIGAND-DEFECTIVE. Identifiers: MedGen C1704417, MONDO:0007751, OMIM 144010.
Familial hypobetalipoproteinemia 1. Also called: Hypobetalipoproteinemia, normotriglyceridemic; Acanthocytosis with hypobetalipoproteinemia; APOB-Related Familial Hypobetalipoproteinemia. Identifiers: MedGen C4551990, MONDO:0014252, OMIM 615558.
Familial hypercholesterolemia. Also called: Familial hypercholesterolemias; Familial hypercholesterolaemia. Identifiers: MedGen C0020445, MONDO:0005439.

Allele frequency attached by ClinVar (database versions not stated): TOPMed 0.00002; gnomAD 0.00005 and 0.00007; gnomAD exomes 0.00006 and 0.00007; ExAC 0.00007; ESP Exome Variant Server 0.00008; 1000 Genomes Project 30x 0.00016; 1000 Genomes Project 0.00020.
gnomAD v4.1: 91 of 1,567,796 alleles (0.0058%); highest among the groups gnomAD compares: South Asian, 0.012%; no homozygotes.

Submissions (6):

CeGaT Center for Human Genetics Tuebingen
Classification: Likely benign. Last evaluated: 2025-11-01. Review status: criteria provided, single submitter. Criteria: CeGaT Center For Human Genetics Tuebingen Variant Classification Criteria Version 2. Collection method: clinical testing. Allele origin: germline. Affected: yes. Observed: 2 variant alleles.
Comment: APOB: BP4, BP7

Labcorp Genetics (formerly Invitae), Labcorp
Classification: Likely benign for Familial hypobetalipoproteinemia 1; Hypercholesterolemia, autosomal dominant, type B. Last evaluated: 2025-08-20. Review status: criteria provided, single submitter. Criteria: Invitae Variant Classification Sherloc (09022015). Collection method: clinical testing. Allele origin: germline.

Blueprint Genetics
Classification: Likely benign. Last evaluated: 2024-10-31. Review status: criteria provided, single submitter. Criteria: ACMG Guidelines, 2015. Collection method: clinical testing. Allele origin: germline.

GENinCode PLC
Classification: Likely benign for Familial hypercholesterolemia. Last evaluated: 2024-07-10. Review status: criteria provided, single submitter. Criteria: ACMG Guidelines, 2015. Collection method: clinical testing. Allele origin: germline.
Comment: This is a synonymous (silent) variant that is not predicted by SpliceAI to impact splicing. In addition, it occurs at a nucleotide that is not conserved. Therefore this variant has been classified as Likely Benign (BP4, BP7).

Quest Diagnostics Nichols Institute San Juan Capistrano
Classification: Likely benign. Last evaluated: 2019-04-28. Review status: criteria provided, single submitter. Criteria: Quest Diagnostics criteria. Collection method: clinical testing. Allele origin: germline.

Ambry Genetics
Classification: Likely benign for Cardiovascular phenotype. Last evaluated: 2018-12-26. Review status: criteria provided, single submitter. Criteria: Ambry Variant Classification Scheme 2023. Collection method: clinical testing. Allele origin: germline.